The following is an entry in ClinVar:

ClinVar aggregate classification (germline): Uncertain significance (1 of 4 stars; one submission).

Submission:

Ambry Genetics
Classification: Uncertain significance. Last evaluated: 2025-11-25. Review status: criteria provided, single submitter. Criteria: Ambry Variant Classification Scheme 2023. Collection method: clinical testing. Allele origin: germline.
Comment: The p.A1735T variant (also known as c.5203G>A), located in coding exon 45 of the KIF1B gene, results from a G to A substitution at nucleotide position 5203. The alanine at codon 1735 is replaced by threonine, an amino acid with similar properties. This amino acid position is conserved. In addition, the in silico prediction for this alteration is inconclusive. Based on the available evidence, the clinical significance of this variant remains unclear.

NM_001365951.3(KIF1B):c.5341G>A (p.Ala1781Thr)

Gene: KIF1B (kinesin family member 1B; plus strand). Cytogenetic location: 1p36.22.
Variant type: single nucleotide variant.
Coding change: c.5341G>A on transcript NM_001365951.3 (MANE Select); coding-DNA position 5341, G replaced by A.
Protein change: p.Ala1781Thr; replaces alanine 1781 with threonine.
Molecular consequence: missense variant.
Genome position (GRCh38, 1-based): chr1:10,375,306, G>A. VCF-style: chr1-10375306-G-A. GRCh37 (hg19) VCF-style: chr1-10435364-G-A.
Other names: c.5341G>A, p.Ala1781Thr (NM_001365952.1); c.5203G>A, p.Ala1735Thr (NM_015074.3); short protein forms A1781T, A1735T.
Identifiers: ClinVar variation 4543680 (VCV004543680.1).
Genomic context (GRCh38, chr1:10,375,306, plus strand): 5'-TTCTTTCAGACACCAAACACCTTTGCTGTCTGCACAAAGCACCGTGGGGTCCTTTTGCAG[G>A]CCCTCAATGACAAAGACATGAACGACTGGTTGTATGCCTTCAACCCACTTCTAGCTGGCA-3'
Protein context (NP_001352880.1, residues 1771-1791): CTKHRGVLLQ[Ala1781Thr]LNDKDMNDWL